The following is an entry in ClinVar:

NM_020719.3(PRR12):c.2486G>A (p.Arg829His)

Gene: PRR12 (proline rich 12; plus strand). Cytogenetic location: 19q13.33.
Variant type: single nucleotide variant.
Coding change: c.2486G>A on transcript NM_020719.3 (MANE Select); coding-DNA position 2486, G replaced by A.
Protein change: p.Arg829His; replaces arginine 829 with histidine.
Molecular consequence: missense variant.
Genome position (GRCh38, 1-based): chr19:49,596,821, G>A. VCF-style: chr19-49596821-G-A. GRCh37 (hg19) VCF-style: chr19-50100078-G-A.
Other names: c.2486G>A (NM_020719.2); short protein forms R829H.
Identifiers: ClinVar variation 3219279 (VCV003219279.2), dbSNP rs200621235, ClinGen allele CA9578117.
Genomic context (GRCh38, chr19:49,596,821, plus strand): 5'-CCCCCAGTCCCTCTCCCAGCGCCTCCAAAGTCGGCGTCCACCTCCTTGAGCCAGCCACCC[G>A]CGATGGGGCACCCCAGCCACCTCCACCGCCACCCCCGCCTCCACCACCCATGCCCCTGCA-3'
Protein context (NP_065770.1, residues 819-839): VGVHLLEPAT[Arg829His]DGAPQPPPPP

ClinVar aggregate classification (germline): Likely benign. Review status: criteria provided, single submitter (1 of 4 stars). 2 submissions from 2 submitters: Likely benign (1). 1 of the submissions does not count toward it. Last evaluated 2021-08-02.

Conditions:
Inborn genetic diseases. Identifiers: MedGen C0950123, MeSH D030342.
PRR12-related disorder. Also called: PRR12-related condition.

Allele frequency attached by ClinVar (database versions not stated): 1000 Genomes Project 0.00020; 1000 Genomes Project 30x 0.00047; gnomAD 0.00047; ExAC 0.00048; TOPMed 0.00054; ESP Exome Variant Server 0.00084.
gnomAD v4.1: 855 of 1,596,506 alleles (0.054%); highest among the groups gnomAD compares: Middle Eastern, 0.59%; 1 homozygote.

Submissions (2):

Ambry Genetics
Classification: Likely benign for Inborn genetic diseases. Last evaluated: 2021-08-02. Review status: criteria provided, single submitter. Criteria: Ambry Variant Classification Scheme 2023. Collection method: clinical testing. Allele origin: germline.

PreventionGenetics, part of Exact Sciences
Classification: Likely benign for PRR12-related condition. Last evaluated: 2024-03-29. Review status: no assertion criteria provided. Collection method: clinical testing. Allele origin: germline. Not counted in ClinVar's aggregate classification.
Comment: This variant is classified as likely benign based on ACMG/AMP sequence variant interpretation guidelines (Richards et al. 2015 PMID: 25741868, with internal and published modifications).